The following is an entry in ClinVar:

NM_002857.4(PEX19):c.25A>G (p.Ser9Gly)

Gene: PEX19 (peroxisomal biogenesis factor 19; minus strand). Cytogenetic location: 1q23.2.
Variant type: single nucleotide variant.
Coding change: c.25A>G on transcript NM_002857.4 (MANE Select); coding-DNA position 25, A replaced by G.
Protein change: p.Ser9Gly; replaces serine 9 with glycine.
Molecular consequence: missense variant. On other transcripts: non-coding transcript variant (2).
Genome position (GRCh38, 1-based): chr1:160,285,100, T>C on the plus strand (A>G on the coding strand, the complement: PEX19 is on the minus strand). VCF-style: chr1-160285100-T-C. GRCh37 (hg19) VCF-style: chr1-160254890-T-C.
Other names: c.25A>G, p.Ser9Gly (NM_001193644.1); short protein forms S9G.
Identifiers: ClinVar variation 1032854 (VCV001032854.1), dbSNP rs775660692, ClinGen allele CA1197514.

ClinVar aggregate classification (germline): Uncertain significance (1 of 4 stars; one submission).

Conditions:
Peroxisome biogenesis disorder 12A (Zellweger). Also called: Peroxisome biogenesis disorder 12A. Identifiers: Orphanet 912, MedGen C3554002, MONDO:0013951, OMIM 614886.

Allele frequency attached by ClinVar (database versions not stated): gnomAD exomes below 0.00001; ExAC 0.00001.

Submission:

Baylor Genetics
Classification: Uncertain significance for Peroxisome biogenesis disorder 12A (Zellweger). Last evaluated: 2018-01-13. Review status: criteria provided, single submitter. Criteria: ACMG Guidelines, 2015. Collection method: clinical testing. Allele origin: unknown. Affected: yes.
Comment: This variant was determined to be of uncertain significance according to ACMG Guidelines, 2015 [PMID:25741868].